The following is an entry in ClinVar:

NM_001918.5(DBT):c.1024C>G (p.His342Asp)

Gene: DBT (dihydrolipoamide branched chain transacylase E2; minus strand). Cytogenetic location: 1p21.2.
Variant type: single nucleotide variant.
Coding change: c.1024C>G on transcript NM_001918.5 (MANE Select); coding-DNA position 1024, C replaced by G.
Protein change: p.His342Asp; replaces histidine 342 with aspartic acid.
Molecular consequence: missense variant.
Genome position (GRCh38, 1-based): chr1:100,206,630, G>C on the plus strand (C>G on the coding strand, the complement: DBT is on the minus strand). VCF-style: chr1-100206630-G-C. GRCh37 (hg19) VCF-style: chr1-100672186-G-C.
Other names: short protein forms H342D.
Identifiers: ClinVar variation 93980 (VCV000093980.7), dbSNP rs398123655, ClinGen allele CA221864.

ClinVar aggregate classification (germline): Uncertain significance. Review status: criteria provided, multiple submitters, no conflicts (2 of 4 stars). 2 submissions from 2 submitters: Uncertain significance (2). Last evaluated 2026-04-23.

Submissions (2):

Women's Health and Genetics/Laboratory Corporation of America, LabCorp
Classification: Uncertain significance. Last evaluated: 2026-04-23. Review status: criteria provided, single submitter. Criteria: LabCorp Variant Classification Summary - May 2015. Collection method: clinical testing. Allele origin: germline.
Comment: Variant summary: DBT c.1024C>G (p.His342Asp) results in a non-conservative amino acid change in the encoded protein sequence. Algorithms developed to predict the effect of missense changes on protein structure and function are either unavailable or do not agree on the potential impact of this missense change. The variant allele was found at a frequency of 4e-06 in 250846 control chromosomes. The available data on variant occurrences in the general population are insufficient to allow any conclusion about variant significance. c.1024C>G has been observed in at least one heterozygous individual affected with Maple Syrup Urine Disease without detected second variant (e.g. Strauss_2020). These report(s) do not provide unequivocal conclusions about association of the variant with Maple Syrup Urine Disease. To our knowledge, no experimental evidence demonstrating an impact on protein function has been reported. ClinVar contains an entry for this variant (Variation ID: 93980). Based on the evidence outlined above, the variant was classified as uncertain significance.

Eurofins Ntd Llc (ga)
Classification: Uncertain significance. Last evaluated: 2013-09-04. Review status: criteria provided, single submitter. Criteria: EGL Classification Definitions 2015. Collection method: clinical testing. Allele origin: germline. Observed: 1 variant allele, 1 heterozygote.

Literature cited by the submitters: PubMed 31980395 (cited by Women's Health and Genetics/Laboratory Corporation of America, LabCorp).